The following is an entry in ClinVar:

NM_001367949.2(FAT3):c.11801A>G (p.Asp3934Gly)

Gene: FAT3 (FAT atypical cadherin 3; plus strand). Cytogenetic location: 11q14.3.
Variant type: single nucleotide variant.
Coding change: c.11801A>G on transcript NM_001367949.2 (MANE Select); coding-DNA position 11801, A replaced by G.
Protein change: p.Asp3934Gly; replaces aspartic acid 3934 with glycine.
Molecular consequence: missense variant.
Genome position (GRCh38, 1-based): chr11:92,866,883, A>G. VCF-style: chr11-92866883-A-G. GRCh37 (hg19) VCF-style: chr11-92600049-A-G.
Other names: c.11801A>G, p.Asp3934Gly (NM_001008781.3); short protein forms D3934G.
Identifiers: ClinVar variation 3353455 (VCV003353455.1).

ClinVar aggregate classification (germline): Uncertain significance (0 of 4 stars; one submission).

Conditions:
FAT3-related disorder. Also called: FAT3-related condition.

Submission:

PreventionGenetics, part of Exact Sciences
Classification: Uncertain significance for FAT3-related condition. Last evaluated: 2024-05-24. Review status: no assertion criteria provided. Collection method: clinical testing. Allele origin: germline.
Comment: The FAT3 c.11801A>G variant is predicted to result in the amino acid substitution p.Asp3934Gly. To our knowledge, this variant has not been reported in the literature or in a large population database, indicating this variant is rare. At this time, the clinical significance of this variant is uncertain due to the absence of conclusive functional and genetic evidence.